The following is an entry in ClinVar:

NM_032578.4(MYPN):c.767C>A (p.Pro256His)

Gene: MYPN (myopalladin; plus strand). Cytogenetic location: 10q21.3.
Variant type: single nucleotide variant.
Coding change: c.767C>A on transcript NM_032578.4 (MANE Select); coding-DNA position 767, C replaced by A.
Protein change: p.Pro256His; replaces proline 256 with histidine.
Molecular consequence: missense variant. On other transcripts: 5 prime UTR variant (1), non-coding transcript variant (1).
Genome position (GRCh38, 1-based): chr10:68,122,205, C>A. VCF-style: chr10-68122205-C-A. GRCh37 (hg19) VCF-style: chr10-69881962-C-A.
Other names: c.767C>A, p.Pro256His (NM_001256267.2); c.-356C>A (NM_001256268.2); c.767C>A (NM_032578.2); short protein forms P256H.
Identifiers: ClinVar variation 1044356 (VCV001044356.10), dbSNP rs2042255659, ClinGen allele CA377105068.

ClinVar aggregate classification (germline): Uncertain significance. Review status: criteria provided, multiple submitters, no conflicts (2 of 4 stars). 2 submissions from 2 submitters: Uncertain significance (2). Last evaluated 2025-09-01.

Conditions:
Dilated cardiomyopathy 1KK (CMD1KK). Identifiers: Orphanet 154, Orphanet 75249, MedGen C3714995, MONDO:0014100, OMIM 615248.
Cardiovascular phenotype. Identifiers: MedGen CN230736.

Submissions (2):

Ambry Genetics
Classification: Uncertain significance for Cardiovascular phenotype. Last evaluated: 2025-09-01. Review status: criteria provided, single submitter. Criteria: Ambry Variant Classification Scheme 2023. Collection method: clinical testing. Allele origin: germline.

Labcorp Genetics (formerly Invitae), Labcorp
Classification: Uncertain significance for Dilated cardiomyopathy 1KK. Last evaluated: 2020-02-12. Review status: criteria provided, single submitter. Criteria: Invitae Variant Classification Sherloc (09022015). Collection method: clinical testing. Allele origin: germline.
Comment: Algorithms developed to predict the effect of missense changes on protein structure and function are either unavailable or do not agree on the potential impact of this missense change (SIFT: "Tolerated"; PolyPhen-2: "Possibly Damaging"; Align-GVGD: "Class C0"). This sequence change replaces proline with histidine at codon 256 of the MYPN protein (p.Pro256His). The proline residue is moderately conserved and there is a moderate physicochemical difference between proline and histidine. This variant is not present in population databases (ExAC no frequency). This variant has not been reported in the literature in individuals with MYPN-related conditions. In summary, the available evidence is currently insufficient to determine the role of this variant in disease. Therefore, it has been classified as a Variant of Uncertain Significance.